The following is an entry in ClinVar:

NM_006231.4(POLE):c.1475T>G (p.Val492Gly)

Gene: POLE (DNA polymerase epsilon, catalytic subunit; minus strand). Cytogenetic location: 12q24.33.
Variant type: single nucleotide variant.
Coding change: c.1475T>G on transcript NM_006231.4 (MANE Select); coding-DNA position 1475, T replaced by G.
Protein change: p.Val492Gly; replaces valine 492 with glycine.
Molecular consequence: missense variant.
Genome position (GRCh38, 1-based): chr12:132,672,838, A>C on the plus strand (T>G on the coding strand, the complement: POLE is on the minus strand). VCF-style: chr12-132672838-A-C. GRCh37 (hg19) VCF-style: chr12-133249424-A-C.
Other names: short protein forms V492G.
Identifiers: ClinVar variation 4725808 (VCV004725808.1).
Genomic context (GRCh38, chr12:132,672,838, plus strand): 5'-GCGTGGAAGGCCTGCACCATCAGCAAGGCCTCACACAGAGTGCCAGAGCCCTTCCGCAGC[A>C]CCTGCAAGAGAAACCAAGGCTTCCAGCCAAAAGCAACACCAAAGGCCCTGACTTGCAGGC-3'
Protein context (NP_006222.2, residues 482-502): CTIIPMEPDE[Val492Gly]LRKGSGTLCE

ClinVar aggregate classification (germline): Uncertain significance (1 of 4 stars; one submission).

Submission:

Labcorp Genetics (formerly Invitae), Labcorp
Classification: Uncertain significance. Last evaluated: 2025-08-25. Review status: criteria provided, single submitter. Criteria: Invitae Variant Classification Sherloc (09022015). Collection method: clinical testing. Allele origin: germline.
Comment: This sequence change replaces valine, which is neutral and non-polar, with glycine, which is neutral and non-polar, at codon 492 of the POLE protein (p.Val492Gly). This variant is not present in population databases (gnomAD no frequency). This variant has not been reported in the literature in individuals affected with POLE-related conditions. An algorithm developed to predict the effect of missense changes on protein structure and function (PolyPhen-2) suggests that this variant is likely to be disruptive. In summary, the available evidence is currently insufficient to determine the role of this variant in disease. Therefore, it has been classified as a Variant of Uncertain Significance.